The following is an entry in ClinVar:

NM_014846.4(WASHC5):c.2716C>G (p.Gln906Glu)

Genes: WASHC5 (WASH complex subunit 5; minus strand), WASHC5-AS1 (WASHC5 antisense RNA 1; plus strand). Cytogenetic location: 8q24.13.
Variant type: single nucleotide variant.
Coding change: c.2716C>G on transcript NM_014846.4 (MANE Select); coding-DNA position 2716, C replaced by G.
Protein change: p.Gln906Glu; replaces glutamine 906 with glutamic acid.
Molecular consequence: missense variant.
Genome position (GRCh38, 1-based): chr8:125,044,046, G>C on the plus strand (C>G on the coding strand, the complement: WASHC5 is on the minus strand). VCF-style: chr8-125044046-G-C. GRCh37 (hg19) VCF-style: chr8-126056288-G-C.
Other names: c.2272C>G, p.Gln758Glu (NM_001330609.2); short protein forms Q758E, Q906E.
Identifiers: ClinVar variation 1344367 (VCV001344367.19), dbSNP rs757250722, ClinGen allele CA4873457.
Genomic context (GRCh38, chr8:125,044,046, plus strand): 5'-ACTCACCGACAATACTTTTTAGGGGACTGACAGCATTCATGAGGGTTTTTAAAGTGTCCT[G>C]AACAGTTCTGTCTCTCAGGATAATTTTCTGAAACATACTGAGGAAATTCTAAAAACAAGA-3'
Protein context (NP_055661.3, residues 896-916): QKIILRDRTV[Gln906Glu]DTLKTLMNAV

ClinVar aggregate classification (germline): Uncertain significance. Review status: criteria provided, multiple submitters, no conflicts (2 of 4 stars). 3 submissions from 3 submitters: Uncertain significance (3). Last evaluated 2025-02-18.

Conditions:
Hereditary spastic paraplegia. Also called: Familial spastic paraparesis. Identifiers: Orphanet 685, MedGen C0037773, MONDO:0019064. Disease mechanism: loss of function.
Hereditary spastic paraplegia 8 (SPG8). Also called: SPASTIC PARAPLEGIA 8, AUTOSOMAL DOMINANT. Identifiers: Orphanet 100989, MedGen C1863704, MONDO:0011339, OMIM 603563.
Ritscher-Schinzel syndrome. Also called: CRANIOCEREBELLOCARDIAC DYSPLASIA. Identifiers: Orphanet 7, MedGen C0796137, MONDO:0019078.

Allele frequency attached by ClinVar (database versions not stated): ExAC 0.00002; gnomAD exomes 0.00002; gnomAD 0.00003 and 0.00004; TOPMed 0.00003.
gnomAD v4.1: 38 of 1,613,616 alleles (0.0024%); highest among the groups gnomAD compares: Non-Finnish European, 0.0032%; no homozygotes.

Submissions (3):

Labcorp Genetics (formerly Invitae), Labcorp
Classification: Uncertain significance for Ritscher-Schinzel syndrome; Hereditary spastic paraplegia 8. Last evaluated: 2025-02-18. Review status: criteria provided, single submitter. Criteria: Invitae Variant Classification Sherloc (09022015). Collection method: clinical testing. Allele origin: germline.
Comment: This sequence change replaces glutamine, which is neutral and polar, with glutamic acid, which is acidic and polar, at codon 906 of the WASHC5 protein (p.Gln906Glu). This variant is present in population databases (rs757250722, gnomAD 0.005%). This variant has not been reported in the literature in individuals affected with WASHC5-related conditions. ClinVar contains an entry for this variant (Variation ID: 1344367). Invitae Evidence Modeling of protein sequence and biophysical properties (such as structural, functional, and spatial information, amino acid conservation, physicochemical variation, residue mobility, and thermodynamic stability) indicates that this missense variant is not expected to disrupt WASHC5 protein function with a negative predictive value of 80%. In summary, the available evidence is currently insufficient to determine the role of this variant in disease. Therefore, it has been classified as a Variant of Uncertain Significance.

CeGaT Center for Human Genetics Tuebingen
Classification: Uncertain significance. Last evaluated: 2024-12-01. Review status: criteria provided, single submitter. Criteria: CeGaT Center For Human Genetics Tuebingen Variant Classification Criteria Version 2. Collection method: clinical testing. Allele origin: germline. Affected: yes. Observed: 1 variant allele.
Comment: WASHC5: PM2, BP4

Genome Diagnostics Laboratory, The Hospital for Sick Children
Classification: Uncertain significance for Hereditary spastic paraplegia. Last evaluated: 2017-06-05. Review status: criteria provided, single submitter. Criteria: ACMG Guidelines, 2015. Collection method: clinical testing. Allele origin: germline. Affected: yes.